The following is an entry in ClinVar:

ClinVar aggregate classification (germline): Uncertain significance (1 of 4 stars; one submission).

Conditions:
Thrombophilia due to protein S deficiency, autosomal recessive (THPH6). Identifiers: Orphanet 743, MedGen C3281092, MONDO:0013791, OMIM 614514. Disease mechanism: loss of function.

Submission:

Labcorp Genetics (formerly Invitae), Labcorp
Classification: Uncertain significance for Thrombophilia due to protein S deficiency, autosomal recessive. Last evaluated: 2020-07-09. Review status: criteria provided, single submitter. Criteria: Invitae Variant Classification Sherloc (09022015). Collection method: clinical testing. Allele origin: germline.
Comment: In summary, the available evidence is currently insufficient to determine the role of this variant in disease. Therefore, it has been classified as a Variant of Uncertain Significance. Algorithms developed to predict the effect of missense changes on protein structure and function (SIFT, PolyPhen-2, Align-GVGD) all suggest that this variant is likely to be disruptive, but these predictions have not been confirmed by published functional studies and their clinical significance is uncertain. This variant has not been reported in the literature in individuals with PROS1-related conditions. This variant is not present in population databases (ExAC no frequency). This sequence change replaces cysteine with serine at codon 171 of the PROS1 protein (p.Cys171Ser). The cysteine residue is highly conserved and there is a moderate physicochemical difference between cysteine and serine.

NM_000313.4(PROS1):c.512G>C (p.Cys171Ser)

Gene: PROS1 (protein S; minus strand). Cytogenetic location: 3q11.1.
Variant type: single nucleotide variant.
Coding change: c.512G>C on transcript NM_000313.4 (MANE Select); coding-DNA position 512, G replaced by C.
Protein change: p.Cys171Ser; replaces cysteine 171 with serine.
Molecular consequence: missense variant.
Genome position (GRCh38, 1-based): chr3:93,905,873, C>G on the plus strand (G>C on the coding strand, the complement: PROS1 is on the minus strand). VCF-style: chr3-93905873-C-G. GRCh37 (hg19) VCF-style: chr3-93624717-C-G.
Other names: c.608G>C, p.Cys203Ser (NM_001314077.2); short protein forms C171S, C203S.
Identifiers: ClinVar variation 999439 (VCV000999439.5), dbSNP rs1318913987, ClinGen allele CA353673570.